The following is an entry in ClinVar:

ClinVar aggregate classification (germline): Likely benign (1 of 4 stars; one submission).

Allele frequency attached by ClinVar (database versions not stated): ExAC 0.00001; gnomAD exomes 0.00001; TOPMed 0.00002; gnomAD 0.00003 and 0.00004.
gnomAD v4.1: 21 of 1,609,406 alleles (0.0013%); highest among the groups gnomAD compares: African/African-American, 0.0027%; no homozygotes.

Submission:

GeneDx
Classification: Likely benign. Last evaluated: 2017-06-26. Review status: criteria provided, single submitter. Criteria: GeneDx Variant Classification (06012015). Collection method: clinical testing. Allele origin: germline. Affected: yes.
Comment: This variant is considered likely benign or benign based on one or more of the following criteria: it is a conservative change, it occurs at a poorly conserved position in the protein, it is predicted to be benign by multiple in silico algorithms, and/or has population frequency not consistent with disease.

NM_002485.5(NBN):c.-45G>A

Gene: NBN (nibrin; minus strand). Cytogenetic location: 8q21.3.
Variant type: single nucleotide variant.
Coding change: c.-45G>A on transcript NM_002485.5 (MANE Select); 45 bases upstream of the start codon, G replaced by A.
Molecular consequence: 5 prime UTR variant.
Genome position (GRCh38, 1-based): chr8:89,984,606, C>T on the plus strand (G>A on the coding strand, the complement: NBN is on the minus strand). VCF-style: chr8-89984606-C-T. GRCh37 (hg19) VCF-style: chr8-90996834-C-T.
Other names: c.-341G>A (NM_001024688.3).
Identifiers: ClinVar variation 518104 (VCV000518104.1), dbSNP rs766132288, ClinGen allele CA4803133.
Genomic context (GRCh38, chr8:89,984,606, plus strand): 5'-GCAGCAGTTTCCACATCGGTCCGGCTCCTCAGGGCTGGGGCCGACGTGCAACCGCGTAAC[C>T]GGGGCTGCTAGACGAGCGCGGATACGGCGCCTGCGGTCGGCATGGGCTCCGGGACGTGCG-3'